The following is an entry in ClinVar:

NM_020778.5(ALPK3):c.3602T>G (p.Val1201Gly)

Gene: ALPK3 (alpha kinase 3; plus strand). Cytogenetic location: 15q25.3.
Variant type: single nucleotide variant.
Coding change: c.3602T>G on transcript NM_020778.5 (MANE Select); coding-DNA position 3602, T replaced by G.
Protein change: p.Val1201Gly; replaces valine 1201 with glycine.
Molecular consequence: missense variant.
Genome position (GRCh38, 1-based): chr15:84,858,340, T>G. VCF-style: chr15-84858340-T-G. GRCh37 (hg19) VCF-style: chr15-85401571-T-G.
Other names: short protein forms V1201G.
Identifiers: ClinVar variation 2129620 (VCV002129620.4), dbSNP rs2505722414, ClinGen allele CA393360594.

ClinVar aggregate classification (germline): Uncertain significance (1 of 4 stars; one submission).

Submission:

Labcorp Genetics (formerly Invitae), Labcorp
Classification: Uncertain significance. Last evaluated: 2022-04-23. Review status: criteria provided, single submitter. Criteria: Invitae Variant Classification Sherloc (09022015). Collection method: clinical testing. Allele origin: germline.
Comment: This variant is not present in population databases (gnomAD no frequency). This variant has not been reported in the literature in individuals affected with ALPK3-related conditions. Algorithms developed to predict the effect of missense changes on protein structure and function output the following: SIFT: "Tolerated"; PolyPhen-2: "Benign"; Align-GVGD: "Class C0". The glycine amino acid residue is found in multiple mammalian species, which suggests that this missense change does not adversely affect protein function. In summary, the available evidence is currently insufficient to determine the role of this variant in disease. Therefore, it has been classified as a Variant of Uncertain Significance. This sequence change replaces valine, which is neutral and non-polar, with glycine, which is neutral and non-polar, at codon 1403 of the ALPK3 protein (p.Val1403Gly).